The following is an entry in ClinVar:

ClinVar aggregate classification (germline): Uncertain significance (1 of 4 stars; one submission).

Conditions:
Tuberous sclerosis 2 (TSC2). Identifiers: Orphanet 805, MedGen C1860707, MONDO:0013199, OMIM 613254.

Allele frequency attached by ClinVar (database versions not stated): gnomAD 0.00001.

Submission:

Institute of Human Genetics, University of Leipzig Medical Center
Classification: Uncertain significance for Tuberous sclerosis 2. Last evaluated: 2023-12-17. Review status: criteria provided, single submitter. Criteria: ACMG Guidelines, 2015. Collection method: clinical testing. Allele origin: paternal. Inheritance: Autosomal dominant inheritance. Affected: yes.
Comment: Criteria applied: PM2

NM_000548.5(TSC2):c.2024C>A (p.Ala675Glu)

Gene: TSC2 (TSC complex subunit 2; plus strand). Cytogenetic location: 16p13.3.
Variant type: single nucleotide variant.
Coding change: c.2024C>A on transcript NM_000548.5 (MANE Select); coding-DNA position 2024, C replaced by A.
Protein change: p.Ala675Glu; replaces alanine 675 with glutamic acid.
Molecular consequence: missense variant. On other transcripts: non-coding transcript variant (5).
Genome position (GRCh38, 1-based): chr16:2,071,861, C>A. VCF-style: chr16-2071861-C-A. GRCh37 (hg19) VCF-style: chr16-2121862-C-A.
Other names: c.2057C>A, p.Ala686Glu (NM_001318832.2); c.2024C>A, p.Ala675Glu (NM_001077183.3, NM_001114382.3, NM_001363528.2 and 6 more transcripts); c.1913C>A, p.Ala638Glu (NM_001318827.2, NM_001406670.1, NM_001406678.1); c.1877C>A, p.Ala626Glu (NM_001318829.2, NM_001406675.1, NM_001406676.1 and 1 more transcripts); c.1424C>A, p.Ala475Glu (NM_001318831.2, NM_001406680.1, NM_001406682.1 and 6 more transcripts); c.2114C>A, p.Ala705Glu (NM_001406667.1, NM_001406668.1); c.2012C>A, p.Ala671Glu (NM_001406671.1, NM_001406673.1); c.1967C>A, p.Ala656Glu (NM_001406677.1); and 3 more; short protein forms A141E, A227E, A475E, A521E, A626E, A638E, A656E, A671E.
Identifiers: ClinVar variation 2691867 (VCV002691867.3), dbSNP rs1261337087, ClinGen allele CA394274515.